The following is an entry in ClinVar:

ClinVar aggregate classification (germline): Uncertain significance. Review status: criteria provided, multiple submitters, no conflicts (2 of 4 stars). 2 submissions from 2 submitters: Uncertain significance (2). Last evaluated 2025-03-18.

Conditions:
SALL4-Related Disorders. Also called: SALL4-related disorder; SALL4-related condition. Identifiers: MedGen CN381056.

Submissions (2):

GeneDx
Classification: Uncertain significance. Last evaluated: 2025-03-18. Review status: criteria provided, single submitter. Criteria: GeneDx Variant Classification Process June 2021. Collection method: clinical testing. Allele origin: germline. Affected: yes.
Comment: Not observed at significant frequency in large population cohorts (gnomAD); In silico analysis indicates that this missense variant does not alter protein structure/function; Has not been previously published as pathogenic or benign to our knowledge

PreventionGenetics, part of Exact Sciences
Classification: Uncertain significance for SALL4-related condition. Last evaluated: 2025-01-08. Review status: criteria provided, single submitter. Criteria: ACMG Guidelines, 2015. Collection method: clinical testing. Allele origin: germline.
Comment: The SALL4 c.307A>G variant is predicted to result in the amino acid substitution p.Met103Val. To our knowledge, this variant has not been reported in the literature. This variant is reported in 0.0018% of alleles in individuals of European (Non-Finnish) descent in gnomAD. At this time, the clinical significance of this variant is uncertain due to the absence of conclusive functional and genetic evidence.

NM_020436.5(SALL4):c.307A>G (p.Met103Val)

Gene: SALL4 (spalt like transcription factor 4; minus strand). Cytogenetic location: 20q13.2.
Variant type: single nucleotide variant.
Coding change: c.307A>G on transcript NM_020436.5 (MANE Select); coding-DNA position 307, A replaced by G.
Protein change: p.Met103Val; replaces methionine 103 with valine.
Molecular consequence: missense variant.
Genome position (GRCh38, 1-based): chr20:51,792,176, T>C on the plus strand (A>G on the coding strand, the complement: SALL4 is on the minus strand). VCF-style: chr20-51792176-T-C. GRCh37 (hg19) VCF-style: chr20-50408715-T-C.
Other names: c.307A>G (NM_020436.4); c.307A>G, p.Met103Val (NM_001318031.2); short protein forms M103V.
Identifiers: ClinVar variation 4086291 (VCV004086291.2).